The following is an entry in ClinVar:

NM_006361.6(HOXB13):c.460G>T (p.Ala154Ser)

Gene: HOXB13 (homeobox B13; minus strand). Cytogenetic location: 17q21.32.
Variant type: single nucleotide variant.
Coding change: c.460G>T on transcript NM_006361.6 (MANE Select); coding-DNA position 460, G replaced by T.
Protein change: p.Ala154Ser; replaces alanine 154 with serine.
Molecular consequence: missense variant.
Genome position (GRCh38, 1-based): chr17:48,728,134, C>A on the plus strand (G>T on the coding strand, the complement: HOXB13 is on the minus strand). VCF-style: chr17-48728134-C-A. GRCh37 (hg19) VCF-style: chr17-46805496-C-A.
Other names: short protein forms A154S.
Identifiers: ClinVar variation 2563735 (VCV002563735.3), dbSNP rs2143071860, ClinGen allele CA400107409.

ClinVar aggregate classification (germline): Uncertain significance. Review status: criteria provided, multiple submitters, no conflicts (2 of 4 stars). 2 submissions from 2 submitters: Uncertain significance (2). Last evaluated 2025-05-25.

Conditions:
Hereditary cancer-predisposing syndrome. Also called: Neoplastic Syndromes, Hereditary; Hereditary Cancer Syndrome; Hereditary neoplastic syndrome; Tumor predisposition. Identifiers: Orphanet 140162, MedGen C0027672, MeSH D009386, MONDO:0015356.

Submissions (2):

Labcorp Genetics (formerly Invitae), Labcorp
Classification: Uncertain significance. Last evaluated: 2025-05-25. Review status: criteria provided, single submitter. Criteria: Invitae Variant Classification Sherloc (09022015). Collection method: clinical testing. Allele origin: germline.
Comment: This sequence change replaces alanine, which is neutral and non-polar, with serine, which is neutral and polar, at codon 154 of the HOXB13 protein (p.Ala154Ser). This variant is not present in population databases (gnomAD no frequency). This variant has not been reported in the literature in individuals affected with HOXB13-related conditions. ClinVar contains an entry for this variant (Variation ID: 2563735). Invitae Evidence Modeling of protein sequence and biophysical properties (such as structural, functional, and spatial information, amino acid conservation, physicochemical variation, residue mobility, and thermodynamic stability) indicates that this missense variant is not expected to disrupt HOXB13 protein function with a negative predictive value of 80%. In summary, the available evidence is currently insufficient to determine the role of this variant in disease. Therefore, it has been classified as a Variant of Uncertain Significance.

Ambry Genetics
Classification: Uncertain significance for Hereditary cancer-predisposing syndrome. Last evaluated: 2023-04-01. Review status: criteria provided, single submitter. Criteria: Ambry Variant Classification Scheme 2023. Collection method: clinical testing. Allele origin: germline.
Comment: The p.A154S variant (also known as c.460G>T), located in coding exon 1 of the HOXB13 gene, results from a G to T substitution at nucleotide position 460. The alanine at codon 154 is replaced by serine, an amino acid with similar properties. This amino acid position is conserved. In addition, this alteration is predicted to be tolerated by in silico analysis. Since supporting evidence is limited at this time, the clinical significance of this alteration remains unclear.